The following is an entry in ClinVar:

ClinVar aggregate classification (germline): Pathogenic (1 of 4 stars; one submission).

Conditions:
Anophthalmia-microphthalmia syndrome. Also called: Anophthalmia/Microphthalmia; Anophthalmia - microphthalmia. Identifiers: Orphanet 98555, MedGen C5680330, MONDO:0020147.

Submission:

Labcorp Genetics (formerly Invitae), Labcorp
Classification: Pathogenic for Anophthalmia-microphthalmia syndrome. Last evaluated: 2023-06-14. Review status: criteria provided, single submitter. Criteria: Invitae Variant Classification Sherloc (09022015). Collection method: clinical testing. Allele origin: germline.
Comment: For these reasons, this variant has been classified as Pathogenic. This variant disrupts a region of the OTX2 protein in which other variant(s) (p.Ala236Ser) have been determined to be pathogenic (Invitae). This suggests that this is a clinically significant region of the protein, and that variants that disrupt it are likely to be disease-causing. This variant has not been reported in the literature in individuals affected with OTX2-related conditions. This variant is not present in population databases (gnomAD no frequency). This sequence change creates a premature translational stop signal (p.Leu56Valfs*31) in the OTX2 gene. While this is not anticipated to result in nonsense mediated decay, it is expected to disrupt the last 234 amino acid(s) of the OTX2 protein.

NM_021728.4(OTX2):c.190_191del (p.Leu64fs)

Gene: OTX2 (orthodenticle homeobox 2; minus strand). Cytogenetic location: 14q22.3.
Variant type: Deletion.
Coding change: c.190_191del on transcript NM_021728.4 (MANE Select); coding-DNA positions 190 to 191, 2 bases deleted (CT; older notation c.190_191delCT).
Protein change: p.Leu64fs; shifts the reading frame from leucine 64.
Molecular consequence: frameshift variant.
Genome position (GRCh38, 1-based): chr14:56,804,270-56,804,271, AG deleted on the plus strand (CT on the coding strand, the reverse complement: OTX2 is on the minus strand). VCF-style (leftmost placement, unchanged base first): chr14-56804269-CAG-C. GRCh37 (hg19) VCF-style: chr14-57270987-CAG-C.
Other names: c.166_167del, p.Leu56fs (NM_001270523.2, NM_001270524.2, NM_172337.3); c.190_191del, p.Leu64fs (NM_001270525.2); short protein forms L56fs, L64fs.
Identifiers: ClinVar variation 2715346 (VCV002715346.3), dbSNP rs2503907718, ClinGen allele CA2697553920.